The following is an entry in ClinVar:

ClinVar aggregate classification (germline): Likely benign. Review status: criteria provided, multiple submitters, no conflicts (2 of 4 stars). 3 submissions from 3 submitters: Likely benign (3). Last evaluated 2026-04-01.

Conditions:
TRRAP-related disorder. Also called: TRRAP-related condition.

Allele frequency attached by ClinVar (database versions not stated): TOPMed 0.00001; gnomAD 0.00002 and 0.00004.
gnomAD v4.1: 10 of 1,614,016 alleles (0.00062%); highest among the groups gnomAD compares: Admixed American, 0.013%; 1 homozygote.

Submissions (3):

PreventionGenetics, part of Exact Sciences
Classification: Likely benign for TRRAP-related condition. Last evaluated: 2026-04-01. Review status: criteria provided, single submitter. Criteria: ACMG Guidelines, 2015. Collection method: clinical testing. Allele origin: germline.
Comment: This variant is classified as likely benign based on ACMG/AMP sequence variant interpretation guidelines (Richards et al. 2015 PMID: 25741868, with internal and published modifications).

Labcorp Genetics (formerly Invitae), Labcorp
Classification: Likely benign. Last evaluated: 2025-11-17. Review status: criteria provided, single submitter. Criteria: Invitae Variant Classification Sherloc (09022015). Collection method: clinical testing. Allele origin: germline.

Blueprint Genetics
Classification: Likely benign. Last evaluated: 2024-09-19. Review status: criteria provided, single submitter. Criteria: ACMG Guidelines, 2015. Collection method: clinical testing. Allele origin: germline.

NM_001375524.1(TRRAP):c.6330C>A (p.Arg2110=)

Gene: TRRAP (transformation/transcription domain associated protein; plus strand). Cytogenetic location: 7q22.1.
Variant type: single nucleotide variant.
Coding change: c.6330C>A on transcript NM_001375524.1 (MANE Select); coding-DNA position 6330, C replaced by A.
Protein change: p.Arg2110=; no amino-acid change (arginine 2110 retained).
Molecular consequence: synonymous variant.
Genome position (GRCh38, 1-based): chr7:98,958,079, C>A. VCF-style: chr7-98958079-C-A. GRCh37 (hg19) VCF-style: chr7-98555702-C-A.
Other names: c.6309C>A, p.Arg2103= (NM_001244580.2); c.6255C>A, p.Arg2085= (NM_003496.4).
Identifiers: ClinVar variation 735938 (VCV000735938.9), dbSNP rs782000637, ClinGen allele CA456659431.